The following is an entry in ClinVar:

ClinVar aggregate classification (germline): Uncertain significance (1 of 4 stars; one submission).

Conditions:
Idiopathic generalized epilepsy. Also called: EIG; Generalised epilepsy. Identifiers: MedGen C0270850, MONDO:0005579, OMIM 600669.
Hyperaldosteronism, familial, type IV (HALD4). Also called: FH IV; ALDOSTERONISM, PRIMARY, AND HYPERTENSION. Identifiers: Orphanet 642671, MedGen C4310756, MONDO:0014875, OMIM 617027.

Allele frequency attached by ClinVar (database versions not stated): gnomAD exomes 0.00001.
gnomAD v4.1: 17 of 1,605,546 alleles (0.0011%); highest among the groups gnomAD compares: South Asian, 0.0022%; no homozygotes.

Submission:

Labcorp Genetics (formerly Invitae), Labcorp
Classification: Uncertain significance for Idiopathic generalized epilepsy; Hyperaldosteronism, familial, type IV. Last evaluated: 2021-04-08. Review status: criteria provided, single submitter. Criteria: Invitae Variant Classification Sherloc (09022015). Collection method: clinical testing. Allele origin: germline.
Comment: In summary, the available evidence is currently insufficient to determine the role of this variant in disease. Therefore, it has been classified as a Variant of Uncertain Significance. Algorithms developed to predict the effect of missense changes on protein structure and function (SIFT, PolyPhen-2, Align-GVGD) all suggest that this variant is likely to be disruptive, but these predictions have not been confirmed by published functional studies and their clinical significance is uncertain. This variant has not been reported in the literature in individuals with CACNA1H-related conditions. This variant is not present in population databases (ExAC no frequency). This sequence change replaces glutamic acid with lysine at codon 1783 of the CACNA1H protein (p.Glu1783Lys). The glutamic acid residue is highly conserved and there is a small physicochemical difference between glutamic acid and lysine.

NM_021098.3(CACNA1H):c.5347G>A (p.Glu1783Lys)

Gene: CACNA1H (calcium voltage-gated channel subunit alpha1 H; plus strand). Cytogenetic location: 16p13.3.
Variant type: single nucleotide variant.
Coding change: c.5347G>A on transcript NM_021098.3 (MANE Select); coding-DNA position 5347, G replaced by A.
Protein change: p.Glu1783Lys; replaces glutamic acid 1783 with lysine.
Molecular consequence: missense variant.
Genome position (GRCh38, 1-based): chr16:1,217,942, G>A. VCF-style: chr16-1217942-G-A. GRCh37 (hg19) VCF-style: chr16-1267942-G-A.
Other names: c.5329G>A, p.Glu1777Lys (NM_001005407.2); short protein forms E1777K, E1783K.
Identifiers: ClinVar variation 1349166 (VCV001349166.8), dbSNP rs1354832663, ClinGen allele CA394146962.